The following is an entry in ClinVar:

NM_000049.4(ASPA):c.98dup (p.His33fs)

Genes: ASPA (aspartoacylase; plus strand), SPATA22 (spermatogenesis associated 22; minus strand). Cytogenetic location: 17p13.2.
Variant type: Duplication.
Coding change: c.98dup on transcript NM_000049.4 (MANE Select); coding-DNA position 98, one base duplicated (A; older notation c.98dupA).
Protein change: p.His33fs; shifts the reading frame from histidine 33.
Molecular consequence: frameshift variant. On other transcripts: intron variant (2).
Genome position (GRCh38, 1-based): chr17:3,476,257, A duplicated. VCF-style (leftmost placement, unchanged base first): chr17-3476256-C-CA. GRCh37 (hg19) VCF-style: chr17-3379550-C-CA.
Other names: c.98dup, p.His33fs (NM_001128085.1); c.-73-6859dup (NM_001321336.2, NM_001321337.2); short protein forms H33fs.
Identifiers: ClinVar variation 4818535 (VCV004818535.1).
Genomic context (GRCh38, chr17:3,476,256, plus strand): 5'-AAGGTTGCTATCTTTGGAGGAACCCATGGGAATGAGCTAACCGGAGTATTTCTGGTTAAG[C>CA]ATTGGCTAGAGAATGGCGCTGAGATTCAGAGAACAGGGCTGGAGGTAAAACCATTTATTA-3'

ClinVar aggregate classification (germline): Likely pathogenic (1 of 4 stars; one submission).

Conditions:
Spongy degeneration of central nervous system. Also called: ACY2 DEFICIENCY; AMINOACYLASE 2 DEFICIENCY; ASP DEFICIENCY; ASPA DEFICIENCY; ASPARTOACYLASE DEFICIENCY; CANAVAN-VAN BOGAERT-BERTRAND DISEASE. Identifiers: Orphanet 141, MedGen C0206307, MONDO:0010079, OMIM 271900.

Submission:

Natera, Inc.
Classification: Likely pathogenic for Canavan Disease. Last evaluated: 2025-01-16. Review status: criteria provided, single submitter. Criteria: Natera Variant Classification Schema (03/2026). Collection method: clinical testing. Allele origin: germline.
Comment: The c.98dupA variant in ASPA is a frameshift variant predicted to shift the reading frame beginning at codon 33 and leads to a stop codon 8 codons downstream. This variant is expected to result in nonsense mediated decay, truncation, or a dysfunctional protein product. This variant is rare in the general population with a frequency below the threshold expected for the associated phenotype(s). Given the available evidence, this variant is classified as Likely Pathogenic.